The following is an entry in ClinVar:

ClinVar aggregate classification (germline): Pathogenic (1 of 4 stars; one submission).

Submission:

GeneDx
Classification: Pathogenic. Last evaluated: 2017-05-19. Review status: criteria provided, single submitter. Criteria: GeneDx Variant Classification (06012015). Collection method: clinical testing. Allele origin: germline. Affected: yes.
Comment: The c.1114dupT variant in the RAI1 gene has not been reported previously as a pathogenic variant nor as a benign variant, to our knowledge. This variant causes a frameshift starting with codon Tyrosine 372, changes this amino acid to a Leucine residue, and creates a premature Stop codon at position 17 of the new reading frame, denoted p.Tyr372LeufsX17. This variant is predicted to cause loss of normal protein function either through protein truncation or nonsense-mediated mRNA decay. The c.1114dupT variant is not observed in large population cohorts (Lek et al., 2016; 1000 Genomes Consortium et al., 2015; Exome Variant Server). We interpret c.1114dupT as a pathogenic variant.

NM_030665.4(RAI1):c.1114dup (p.Tyr372fs)

Gene: RAI1 (retinoic acid induced 1; plus strand). Cytogenetic location: 17p11.2.
Variant type: Duplication.
Coding change: c.1114dup on transcript NM_030665.4 (MANE Select); coding-DNA position 1114, one base duplicated (T; older notation c.1114dupT).
Protein change: p.Tyr372fs; shifts the reading frame from tyrosine 372.
Molecular consequence: frameshift variant.
Genome position (GRCh38, 1-based): chr17:17,794,062, T duplicated. VCF-style (leftmost placement, unchanged base first): chr17-17794061-C-CT. GRCh37 (hg19) VCF-style: chr17-17697375-C-CT.
Other names: c.1114dupT (NM_030665.3); short protein forms Y372fs.
Identifiers: ClinVar variation 430177 (VCV000430177.2), dbSNP rs1131691817, ClinGen allele CA645369712.